The following is an entry in ClinVar:

NC_012920.1(MT-RNR1):m.1299A>G

Gene: MT-RNR1 (mitochondrially encoded 12S RNA; plus strand).
Variant type: single nucleotide variant.
Genome position: chrM-1299-A-G.
Identifiers: ClinVar variation 517363 (VCV000517363.4), dbSNP rs1556422518, ClinGen allele CA658799935.

ClinVar aggregate classification (germline): Likely benign (1 of 4 stars; one submission).

Submission:

Laboratory for Molecular Medicine, Mass General Brigham Personalized Medicine
Classification: Likely benign. Last evaluated: 2017-04-13. Review status: criteria provided, single submitter. Criteria: LMM Criteria. Collection method: clinical testing. Allele origin: germline. Observed: 1 variant allele.
Comment: m.1299A>G in MTRNR1: This variant is not expected to have clinical significance because it is present in several haplogroups (G1a, B4d, M30, N3a) at frequencies ranging from 2.9%-12.2% in the MitoMap database.